The following is an entry in ClinVar:

ClinVar aggregate classification (germline): Uncertain significance (1 of 4 stars; one submission).

Conditions:
GLUT1 deficiency syndrome 1, autosomal recessive. Identifiers: MedGen C3149117.

gnomAD v4.1: 1 of 1,614,000 alleles (0.000062%); no homozygotes.

Submission:

Labcorp Genetics (formerly Invitae), Labcorp
Classification: Uncertain significance for GLUT1 deficiency syndrome 1, autosomal recessive. Last evaluated: 2024-02-17. Review status: criteria provided, single submitter. Criteria: Invitae Variant Classification Sherloc (09022015). Collection method: clinical testing. Allele origin: germline.
Comment: This sequence change replaces cysteine, which is neutral and slightly polar, with tyrosine, which is neutral and polar, at codon 347 of the SLC2A1 protein (p.Cys347Tyr). This variant is not present in population databases (gnomAD no frequency). This variant has not been reported in the literature in individuals affected with SLC2A1-related conditions. Advanced modeling of protein sequence and biophysical properties (such as structural, functional, and spatial information, amino acid conservation, physicochemical variation, residue mobility, and thermodynamic stability) performed at Invitae indicates that this missense variant is expected to disrupt SLC2A1 protein function with a positive predictive value of 95%. In summary, the available evidence is currently insufficient to determine the role of this variant in disease. Therefore, it has been classified as a Variant of Uncertain Significance.

NM_006516.4(SLC2A1):c.1040G>A (p.Cys347Tyr)

Gene: SLC2A1 (solute carrier family 2 member 1; minus strand). Cytogenetic location: 1p34.2.
Variant type: single nucleotide variant.
Coding change: c.1040G>A on transcript NM_006516.4 (MANE Select); coding-DNA position 1040, G replaced by A.
Protein change: p.Cys347Tyr; replaces cysteine 347 with tyrosine.
Molecular consequence: missense variant.
Genome position (GRCh38, 1-based): chr1:42,928,966, C>T on the plus strand (G>A on the coding strand, the complement: SLC2A1 is on the minus strand). VCF-style: chr1-42928966-C-T. GRCh37 (hg19) VCF-style: chr1-43394637-C-T.
Other names: short protein forms C347Y.
Identifiers: ClinVar variation 3633548 (VCV003633548.2).